The following is an entry in ClinVar:

ClinVar aggregate classification (germline): Uncertain significance (0 of 4 stars; one submission).

Conditions:
ROBO1-related disorder. Also called: ROBO1-related condition.

gnomAD v4.1: 1 of 1,613,182 alleles (0.000062%); highest among the groups gnomAD compares: African/African-American, 0.0013%; no homozygotes.

Submission:

PreventionGenetics, part of Exact Sciences
Classification: Uncertain significance for ROBO1-related condition. Last evaluated: 2024-03-28. Review status: no assertion criteria provided. Collection method: clinical testing. Allele origin: germline.
Comment: The ROBO1 c.1015G>A variant is predicted to result in the amino acid substitution p.Ala339Thr. To our knowledge, this variant has not been reported in the literature or in a large population database, indicating this variant is rare. At this time, the clinical significance of this variant is uncertain due to the absence of conclusive functional and genetic evidence.

NM_002941.4(ROBO1):c.1015G>A (p.Ala339Thr)

Gene: ROBO1 (roundabout guidance receptor 1; minus strand). Cytogenetic location: 3p12.3.
Variant type: single nucleotide variant.
Coding change: c.1015G>A on transcript NM_002941.4 (MANE Select); coding-DNA position 1015, G replaced by A.
Protein change: p.Ala339Thr; replaces alanine 339 with threonine.
Molecular consequence: missense variant.
Genome position (GRCh38, 1-based): chr3:78,714,427, C>T on the plus strand (G>A on the coding strand, the complement: ROBO1 is on the minus strand). VCF-style: chr3-78714427-C-T. GRCh37 (hg19) VCF-style: chr3-78763577-C-T.
Other names: c.898G>A, p.Ala300Thr (NM_001145845.2, NM_133631.4); short protein forms A300T, A339T.
Identifiers: ClinVar variation 3357863 (VCV003357863.1).
Genomic context (GRCh38, chr3:78,714,427, plus strand): 5'-CACCAAAACAAAGCCTTTCCCAATGCCTACCTTGAACAGTCAGAGTAGCAGATGCTTCAG[C>T]TTTGCCCACCATATTTTCTGCAACACAAGTGTATGAACCCATGTCACCAGCTGTCACCTT-3'
Protein context (NP_002932.1, residues 329-349): TCVAENMVGK[Ala339Thr]EASATLTVQE